The following is an entry in ClinVar:

NM_032043.3(BRIP1):c.1140+4A>T

Gene: BRIP1 (BRCA1 interacting DNA helicase 1; minus strand). Cytogenetic location: 17q23.2.
Variant type: single nucleotide variant.
Coding change: c.1140+4A>T on transcript NM_032043.3 (MANE Select); 4 bases into the intron after coding-DNA position 1140, A replaced by T.
Molecular consequence: intron variant.
Genome position (GRCh38, 1-based): chr17:61,801,249, T>A on the plus strand (A>T on the coding strand, the complement: BRIP1 is on the minus strand). VCF-style: chr17-61801249-T-A. GRCh37 (hg19) VCF-style: chr17-59878610-T-A.
Identifiers: ClinVar variation 940027 (VCV000940027.10), dbSNP rs2077985597, ClinGen allele CA1139665791.

ClinVar aggregate classification (germline): Uncertain significance. Review status: criteria provided, multiple submitters, no conflicts (2 of 4 stars). 2 submissions from 2 submitters: Uncertain significance (2). Last evaluated 2025-07-03.

Conditions:
Familial cancer of breast. Also called: hereditary breast carcinoma; BREAST CANCER, FAMILIAL; Hereditary breast cancer. Identifiers: Orphanet 227535, MedGen C0346153, MONDO:0016419, OMIM 114480. Disease mechanism: loss of function.
Fanconi anemia complementation group J. Also called: BRIP1-Related Fanconi Anemia. Identifiers: Orphanet 84, MedGen C1836860, MONDO:0012187, OMIM 609054.

Submissions (2):

Women's Health and Genetics/Laboratory Corporation of America, LabCorp
Classification: Uncertain significance. Last evaluated: 2025-07-03. Review status: criteria provided, single submitter. Criteria: LabCorp Variant Classification Summary - May 2015. Collection method: clinical testing. Allele origin: germline.

Labcorp Genetics (formerly Invitae), Labcorp
Classification: Uncertain significance for Familial cancer of breast; Fanconi anemia complementation group J. Last evaluated: 2022-09-17. Review status: criteria provided, single submitter. Criteria: Invitae Variant Classification Sherloc (09022015). Collection method: clinical testing. Allele origin: germline.
Comment: In summary, the available evidence is currently insufficient to determine the role of this variant in disease. Therefore, it has been classified as a Variant of Uncertain Significance. Variants that disrupt the consensus splice site are a relatively common cause of aberrant splicing (PMID: 17576681, 9536098). Algorithms developed to predict the effect of sequence changes on RNA splicing suggest that this variant may disrupt the consensus splice site. ClinVar contains an entry for this variant (Variation ID: 940027). This variant has not been reported in the literature in individuals affected with BRIP1-related conditions. This variant is not present in population databases (gnomAD no frequency). This sequence change falls in intron 8 of the BRIP1 gene. It does not directly change the encoded amino acid sequence of the BRIP1 protein. It affects a nucleotide within the consensus splice site.

Literature cited by the submitters: PubMed 17576681 (cited by Labcorp Genetics (formerly Invitae), Labcorp); PubMed 9536098 (cited by Labcorp Genetics (formerly Invitae), Labcorp).